The following is an entry in ClinVar:

ClinVar aggregate classification (germline): Uncertain significance. Review status: criteria provided, single submitter (1 of 4 stars). 2 submissions from 2 submitters: Uncertain significance (1). 1 of the submissions does not count toward it. Last evaluated 2018-09-12.

Conditions:
Thrombophilia due to protein S deficiency, autosomal dominant (THPH5). Identifiers: Orphanet 26349, Orphanet 743, MedGen C3278211, MONDO:0012868, OMIM 612336. Disease mechanism: loss of function.
Thrombophilia due to protein S deficiency, autosomal recessive (THPH6). Identifiers: Orphanet 743, MedGen C3281092, MONDO:0013791, OMIM 614514. Disease mechanism: loss of function.

Submissions (2):

Labcorp Genetics (formerly Invitae), Labcorp
Classification: Uncertain significance for Thrombophilia due to protein S deficiency, autosomal recessive. Last evaluated: 2018-09-12. Review status: criteria provided, single submitter. Criteria: Invitae Variant Classification Sherloc (09022015). Collection method: clinical testing. Allele origin: germline.
Comment: In summary, the available evidence is currently insufficient to determine the role of this variant in disease. Therefore, it has been classified as a Variant of Uncertain Significance. Algorithms developed to predict the effect of missense changes on protein structure and function (SIFT, PolyPhen-2, Align-GVGD) all suggest that this variant is likely to be disruptive, but these predictions have not been confirmed by published functional studies and their clinical significance is uncertain. This variant has not been reported in the literature in individuals with PROS1-related disease. This variant is not present in population databases (ExAC no frequency). This sequence change replaces aspartic acid with glutamic acid at codon 652 of the PROS1 protein (p.Asp652Glu). The aspartic acid residue is highly conserved and there is a small physicochemical difference between aspartic acid and glutamic acid.

Department of Transfusion Medicine and Hemostaseology, University Hospital Erlangen
Classification: Uncertain significance for Thrombophilia due to protein S deficiency, autosomal dominant. Last evaluated: 2025-09-01. Review status: no assertion criteria provided. Collection method: clinical testing. Allele origin: germline. Not counted in ClinVar's aggregate classification.
Comment: This variant was identified during a screening of patients with suspected hereditary Protein S deficiency. Currently, no literature is available describing this variant and no allele frequency is reported in dbSNP. Several in silico variant effect prediction tools (PolyPhen-2, SIFT, AlphaMissense) classify this variant as likely pathogenic. Taken together, we classified this variant as of uncertain significance.

NM_000313.4(PROS1):c.1956T>G (p.Asp652Glu)

Gene: PROS1 (protein S; minus strand). Cytogenetic location: 3q11.1.
Variant type: single nucleotide variant.
Coding change: c.1956T>G on transcript NM_000313.4 (MANE Select); coding-DNA position 1956, T replaced by G.
Protein change: p.Asp652Glu; replaces aspartic acid 652 with glutamic acid.
Molecular consequence: missense variant.
Genome position (GRCh38, 1-based): chr3:93,874,320, A>C on the plus strand (T>G on the coding strand, the complement: PROS1 is on the minus strand). VCF-style: chr3-93874320-A-C. GRCh37 (hg19) VCF-style: chr3-93593164-A-C.
Other names: c.2052T>G, p.Asp684Glu (NM_001314077.2); short protein forms D652E, D684E.
Identifiers: ClinVar variation 640936 (VCV000640936.5), dbSNP rs1576170554, ClinGen allele CA353669686.